The following is an entry in ClinVar:

NM_001267550.2(TTN):c.40633+5G>T

Gene: TTN (titin; minus strand). Cytogenetic location: 2q31.2.
Variant type: single nucleotide variant.
Coding change: c.40633+5G>T on transcript NM_001267550.2 (MANE Select); 5 bases into the intron after coding-DNA position 40633, G replaced by T.
Molecular consequence: intron variant.
Genome position (GRCh38, 1-based): chr2:178,641,236, C>A on the plus strand (G>T on the coding strand, the complement: TTN is on the minus strand). VCF-style: chr2-178641236-C-A. GRCh37 (hg19) VCF-style: chr2-179505963-C-A.
Other names: c.13438+5G>T (NM_003319.4); c.14014+5G>T (NM_133437.4); c.13813+5G>T (NM_133432.3); c.32929+5G>T (NM_133378.4); c.35710+5G>T (NM_001256850.1); c.40633+5G>T (NM_001267550.1).
Identifiers: ClinVar variation 2197813 (VCV002197813.6), dbSNP rs2061194221, ClinGen allele CA2573332739.

ClinVar aggregate classification (germline): Uncertain significance. Review status: criteria provided, multiple submitters, no conflicts (2 of 4 stars). 2 submissions from 2 submitters: Uncertain significance (2). Last evaluated 2026-06-08.

Conditions:
Autosomal recessive limb-girdle muscular dystrophy type 2J (LGMDR10). Also called: Limb-girdle muscular dystrophy, type 2J; MUSCULAR DYSTROPHY, LIMB-GIRDLE, AUTOSOMAL RECESSIVE 10. Identifiers: Orphanet 140922, MedGen C1837342, MONDO:0012127, OMIM 608807.
Dilated cardiomyopathy 1G (CMD1G). Identifiers: Orphanet 154, MedGen C1858763, MONDO:0011400, OMIM 604145.

gnomAD v4.1: 5 of 1,499,944 alleles (0.00033%); highest among the groups gnomAD compares: Non-Finnish European, 0.00036%; no homozygotes.

Submissions (2):

Victorian Clinical Genetics Services, Murdoch Childrens Research Institute
Classification: Uncertain significance for Dilated cardiomyopathy 1G. Last evaluated: 2026-06-08. Review status: criteria provided, single submitter. Criteria: ACMG Guidelines, 2015. Collection method: clinical testing. Allele origin: germline. Affected: yes.
Comment: This variant is classified as VUS-3A. Evidence in support of pathogenic classification: Non-canonical splice site variant without proven consequence on splicing (no functional evidence available); Variant is present in gnomAD <0.001 for a dominant condition (v4: 5 heterozygote(s), 0 homozygote(s)). Additional information: This variant is heterozygous; This gene is associated with both recessive and dominant disease (OMIM); Previous evidence of pathogenicity for this variant is inconclusive. This variant has been classified as a VUS by a clinical laboratory in ClinVar and has been reported in an individual with sudden death and cardiomegaly (ClinVar, VCGS internal database); No published functional evidence has been identified for this variant; Another non-canonical splice site variant comparable to the one identified in this case has inconclusive previous evidence for pathogenicity. c.40633+5G>A has been classified as a VUS by a clinical testing laboratory (ClinVar); Variant is located in between two exons within the I-band, both with PSI of 100% (PMID: 25589632); In silico prediction for abnormal splicing and nucleotide conservation are conflicting; Loss of function is known mechanism of disease in this gene. In addition, dominant negative is also a suggested mechanism. (PMID: 25589632); The condition associated with this gene has incomplete penetrance. Variants in this gene that result in a premature truncating codon (PTC) are known to have reduced penetrance in DCM (PMID: 25589632); Inheritance information for this variant is not currently available in this individual.

Labcorp Genetics (formerly Invitae), Labcorp
Classification: Uncertain significance for Dilated cardiomyopathy 1G; Autosomal recessive limb-girdle muscular dystrophy type 2J. Last evaluated: 2025-12-02. Review status: criteria provided, single submitter. Criteria: Invitae Variant Classification Sherloc (09022015). Collection method: clinical testing. Allele origin: germline.
Comment: This sequence change falls in intron 220 of the TTN gene. It does not directly change the encoded amino acid sequence of the TTN protein. It affects a nucleotide within the consensus splice site. This variant is not present in population databases (gnomAD no frequency). This variant has not been reported in the literature in individuals affected with TTN-related conditions. ClinVar contains an entry for this variant (Variation ID: 2197813). Variants that disrupt the consensus splice site are a relatively common cause of aberrant splicing (PMID: 17576681, 9536098). Algorithms developed to predict the effect of sequence changes on RNA splicing suggest that this variant may disrupt the consensus splice site. This variant is located in the I band of TTN (PMID: 25589632). Non-truncating variants in this region may be clinically relevant, but have not been definitively shown to cause cardiomyopathy or neuromuscular disease (PMID: 27493940, 32778822). In summary, the available evidence is currently insufficient to determine the role of this variant in disease. Therefore, it has been classified as a Variant of Uncertain Significance.

Literature cited by the submitters: PubMed 25589632 (cited by Victorian Clinical Genetics Services, Murdoch Childrens Research Institute and Labcorp Genetics (formerly Invitae), Labcorp); PubMed 17576681 (cited by Labcorp Genetics (formerly Invitae), Labcorp); PubMed 9536098 (cited by Labcorp Genetics (formerly Invitae), Labcorp); PubMed 27493940 (cited by Labcorp Genetics (formerly Invitae), Labcorp); PubMed 32778822 (cited by Labcorp Genetics (formerly Invitae), Labcorp).